The following is an entry in ClinVar:

NM_198253.3(TERT):c.2639C>T (p.Ala880Val)

Gene: TERT (telomerase reverse transcriptase; minus strand). Cytogenetic location: 5p15.33.
Variant type: single nucleotide variant.
Coding change: c.2639C>T on transcript NM_198253.3 (MANE Select); coding-DNA position 2639, C replaced by T.
Protein change: p.Ala880Val; replaces alanine 880 with valine.
Molecular consequence: missense variant. On other transcripts: non-coding transcript variant (2).
Genome position (GRCh38, 1-based): chr5:1,266,479, G>A on the plus strand (C>T on the coding strand, the complement: TERT is on the minus strand). VCF-style: chr5-1266479-G-A. GRCh37 (hg19) VCF-style: chr5-1266594-G-A.
Other names: c.2639C>T, p.Ala880Val (NM_001193376.3); short protein forms A880V.
Identifiers: ClinVar variation 872809 (VCV000872809.50), dbSNP rs1748613384, ClinGen allele CA359073144.
Genomic context (GRCh38, chr5:1,266,479, plus strand): 5'-CCACAGGCTGTGGAGGTCCCCACAGACACACGGCACGGGCCTCACCTGAGGAAGGTTTTC[G>A]CGTGGGTGAGGTGAGGTGTCACCAACAAGAAATCATCCACCAAACGCAGGAGCAGCCTAA-3'
Protein context (NP_937983.2, residues 870-890): FLLVTPHLTH[Ala880Val]KTFLRTLVRG

ClinVar aggregate classification (germline): Conflicting classifications of pathogenicity. Review status: criteria provided, conflicting classifications (1 of 4 stars). 4 submissions from 4 submitters: Likely pathogenic (3); Uncertain significance (1). Last evaluated 2025-12-24.

Conditions:
Idiopathic Pulmonary Fibrosis. Also called: Idiopathic fibrosing alveolitis, chronic form; idiopathic fibrosing alveolitis. Identifiers: Orphanet 2032, MedGen C1800706, MeSH D054990, MONDO:0800504.
Dyskeratosis congenita, autosomal dominant 2. Identifiers: MedGen C3151443, MONDO:0013521, OMIM 613989.
Pulmonary fibrosis and/or bone marrow failure, Telomere-related, 1. Also called: PULMONARY FIBROSIS AND/OR BONE MARROW FAILURE SYNDROME, TELOMERE-RELATED, 1. Identifiers: Orphanet 88, MedGen C3553617, MONDO:0013878, OMIM 614742.

Allele frequency attached by ClinVar (database versions not stated): gnomAD exomes below 0.00001; gnomAD 0.00001; TOPMed 0.00001.
gnomAD v4.1: 4 of 1,609,440 alleles (0.00025%); highest among the groups gnomAD compares: African/African-American, 0.0013%; no homozygotes.

Submissions (4):

3billion
Classification: Likely pathogenic for Pulmonary fibrosis and/or bone marrow failure, Telomere-related, 1. Last evaluated: 2025-12-24. Review status: criteria provided, single submitter. Criteria: ACMG Guidelines, 2015. Collection method: clinical testing. Allele origin: germline. Affected: yes.
Comment: The variant is observed at an extremely low frequency in the gnomAD v4.1.0 dataset (total allele frequency: <0.001%). Predicted Consequence/Location: Missense variant In silico tool predictions suggest damaging effect of the variant on gene or gene product [REVEL: 0.74 (>=0.6, sensitivity 0.68 and specificity 0.92); 3Cnet: 0.84 (> 0.75, sensitivity 0.96 and precision 0.92)]. The same nucleotide change resulting in the same amino acid change has been previously reported as pathogenic/likely pathogenic with strong evidence (ClinVar ID: VCV000872809 /PMID: 25612863). Different missense changes at the same codon (p.Ala880Ser, p.Ala880Thr) have been reported as pathogenic/likely pathogenic with strong evidence (ClinVar ID: VCV000950401 /PMID: 21520174, 23335200). Therefore, this variant is classified as Likely pathogenic according to the recommendation of ACMG/AMP guideline.

Labcorp Genetics (formerly Invitae), Labcorp
Classification: Uncertain significance for Dyskeratosis congenita, autosomal dominant 2; Idiopathic Pulmonary Fibrosis. Last evaluated: 2024-11-27. Review status: criteria provided, single submitter. Criteria: Invitae Variant Classification Sherloc (09022015). Collection method: clinical testing. Allele origin: germline.
Comment: This sequence change replaces alanine, which is neutral and non-polar, with valine, which is neutral and non-polar, at codon 880 of the TERT protein (p.Ala880Val). This variant is not present in population databases (gnomAD no frequency). This missense change has been observed in individual(s) with pulmonary fibrosis (PMID: 25612863, 27836952). ClinVar contains an entry for this variant (Variation ID: 872809). Invitae Evidence Modeling of protein sequence and biophysical properties (such as structural, functional, and spatial information, amino acid conservation, physicochemical variation, residue mobility, and thermodynamic stability) indicates that this missense variant is expected to disrupt TERT protein function with a positive predictive value of 95%. In summary, the available evidence is currently insufficient to determine the role of this variant in disease. Therefore, it has been classified as a Variant of Uncertain Significance.

CeGaT Center for Human Genetics Tuebingen
Classification: Likely pathogenic. Last evaluated: 2024-07-01. Review status: criteria provided, single submitter. Criteria: CeGaT Center For Human Genetics Tuebingen Variant Classification Criteria Version 2. Collection method: clinical testing. Allele origin: germline. Affected: yes. Observed: 3 variant alleles.
Comment: TERT: PM2, PM5, PS4:Moderate, PP4

Mayo Clinic Laboratories, Mayo Clinic
Classification: Likely pathogenic. Last evaluated: 2020-12-03. Review status: criteria provided, single submitter. Criteria: ACMG Guidelines, 2015. Collection method: clinical testing. Allele origin: germline. Observed: 1 variant allele.
Comment: PS4_Moderate, PM1, PM2, PP2, PP3, PP4

Literature cited by the submitters: PubMed 21520174 (cited by 3billion); PubMed 25612863 (cited by 3 submitters); PubMed 27836952 (cited by Labcorp Genetics (formerly Invitae), Labcorp and Mayo Clinic Laboratories, Mayo Clinic).